The following is an entry in ClinVar:

NM_004360.5(CDH1):c.1330T>C (p.Phe444Leu)

Gene: CDH1 (cadherin 1; plus strand). Cytogenetic location: 16q22.1.
Variant type: single nucleotide variant.
Coding change: c.1330T>C on transcript NM_004360.5 (MANE Select); coding-DNA position 1330, T replaced by C.
Protein change: p.Phe444Leu; replaces phenylalanine 444 with leucine.
Molecular consequence: missense variant. On other transcripts: 5 prime UTR variant (2).
Genome position (GRCh38, 1-based): chr16:68,815,524, T>C. VCF-style: chr16-68815524-T-C. GRCh37 (hg19) VCF-style: chr16-68849427-T-C.
Other names: c.1147T>C, p.Phe383Leu (NM_001317184.2); c.-219T>C (NM_001317185.2); c.-490T>C (NM_001317186.2); short protein forms F444L, F383L.
Identifiers: ClinVar variation 2981980 (VCV002981980.3), dbSNP rs2543930205, ClinGen allele CA396462672.

ClinVar aggregate classification (germline): Uncertain significance (1 of 4 stars; one submission).

Conditions:
Hereditary diffuse gastric adenocarcinoma (HDGC). Also called: DIFFUSE GASTRIC AND LOBULAR BREAST CANCER SYNDROME. Identifiers: Orphanet 26106, MedGen C1708349, MONDO:0007648, OMIM 137215.

Submission:

Labcorp Genetics (formerly Invitae), Labcorp
Classification: Uncertain significance for Hereditary diffuse gastric adenocarcinoma. Last evaluated: 2023-09-10. Review status: criteria provided, single submitter. Criteria: Invitae Variant Classification Sherloc (09022015). Collection method: clinical testing. Allele origin: germline.
Comment: In summary, the available evidence is currently insufficient to determine the role of this variant in disease. Therefore, it has been classified as a Variant of Uncertain Significance. An algorithm developed to predict the effect of missense changes on protein structure and function (PolyPhen-2) suggests that this variant is likely to be disruptive. This variant has not been reported in the literature in individuals affected with CDH1-related conditions. This variant is not present in population databases (gnomAD no frequency). This sequence change replaces phenylalanine, which is neutral and non-polar, with leucine, which is neutral and non-polar, at codon 444 of the CDH1 protein (p.Phe444Leu).